The following is an entry in ClinVar:

ClinVar aggregate classification (germline): Uncertain significance (1 of 4 stars; one submission).

Conditions:
Arrhythmogenic right ventricular cardiomyopathy (ARVD). Also called: Arrhythmogenic right ventricular dysplasia; Cardiomyopathy, ARVC; Arrhythmogenic cardiomyopathy; Arrhythmogenic Right Ventricular Cardiomyopathy (ARVC). Identifiers: Orphanet 247, MedGen C0349788, MeSH D019571, MONDO:0016587. Disease mechanism: loss of function. Inheritance: Various modes of inheritance.

Submission:

All of Us Research Program, National Institutes of Health
Classification: Uncertain significance for Arrhythmogenic right ventricular cardiomyopathy. Last evaluated: 2024-07-10. Review status: criteria provided, single submitter. Criteria: ACMG Guidelines, 2015. Collection method: clinical testing. Allele origin: germline. Inheritance: Autosomal dominant inheritance. Observed: 1 variant allele, 1 heterozygote.
Comment: This variant causes an A to G nucleotide substitution at the +3 position of intron 5 of the PKP2 gene. Splice site prediction tools predict that this variant may have a significant impact on RNA splicing. To our knowledge, RNA studies have not been reported for this variant. This variant has not been reported in individuals affected with PKP2-related disorders in the literature. This variant has not been identified in the general population by the Genome Aggregation Database (gnomAD). The available evidence is insufficient to determine the role of this variant in disease conclusively. Therefore, this variant is classified as a Variant of Uncertain Significance.

This study involves interpretation of variants in research participants for the purpose of population health screening. Participant phenotype was not available at the time of variant classification. Additional details can be found in publication PMID: 35346344, PMCID: PMC8962531

NM_001005242.3(PKP2):c.1378+3A>G

Gene: PKP2 (plakophilin 2; minus strand). Cytogenetic location: 12p11.21.
Variant type: single nucleotide variant.
Coding change: c.1378+3A>G on transcript NM_001005242.3 (MANE Select); 3 bases into the intron after coding-DNA position 1378, A replaced by G.
Molecular consequence: intron variant.
Genome position (GRCh38, 1-based): chr12:32,850,763, T>C on the plus strand (A>G on the coding strand, the complement: PKP2 is on the minus strand). VCF-style: chr12-32850763-T-C. GRCh37 (hg19) VCF-style: chr12-33003697-T-C.
Other names: c.1051+3A>G (NM_001407158.1, NM_001407162.1, NM_001407160.1 and 1 more transcripts); c.1378+3A>G (NM_001407161.1, NM_001407157.1, NM_001407156.1 and 2 more transcripts).
Identifiers: ClinVar variation 3387482 (VCV003387482.1).
Genomic context (GRCh38, chr12:32,850,763, plus strand): 5'-TGATGTAAGGCATCTGGCTGGGGTGCAAATGTGTTAGGTTCTTCAATGTTCAGTAAGCAC[T>C]ACCTGTTATTTGTTTTTTAGTCTCCAAGTCTCTGGTTTGCTTCAGCACCTGGAGCAGCCG-3'